The following is an entry in ClinVar:

ClinVar aggregate classification (germline): Uncertain significance. Review status: criteria provided, multiple submitters, no conflicts (2 of 4 stars). 3 submissions from 3 submitters: Uncertain significance (2). 1 of the submissions does not count toward it. Last evaluated 2023-09-13.

Conditions:
TCOF1-related disorder. Also called: TCOF1-related condition.
Inborn genetic diseases. Identifiers: MedGen C0950123, MeSH D030342.

Allele frequency attached by ClinVar (database versions not stated): ExAC 0.00005; ESP Exome Variant Server 0.00008; gnomAD 0.00009 and 0.00011; TOPMed 0.00009; 1000 Genomes Project 0.00020; 1000 Genomes Project 30x 0.00031.
gnomAD v4.1: 35 of 1,614,052 alleles (0.0022%); highest among the groups gnomAD compares: African/African-American, 0.041%; no homozygotes.

Submissions (4):

Ambry Genetics
Classification: Uncertain significance for Inborn genetic diseases. Last evaluated: 2023-09-13. Review status: criteria provided, single submitter. Criteria: Ambry Variant Classification Scheme 2023. Collection method: clinical testing. Allele origin: germline.

GeneDx
Classification: Uncertain significance. Last evaluated: 2022-07-18. Review status: criteria provided, single submitter. Criteria: GeneDx Variant Classification Process June 2021. Collection method: clinical testing. Allele origin: germline. Affected: yes.
Comment: In silico analysis supports that this missense variant has a deleterious effect on protein structure/function; Has not been previously published as pathogenic or benign to our knowledge

PreventionGenetics, part of Exact Sciences
Classification: Likely benign for TCOF1-related condition. Last evaluated: 2023-05-08. Review status: no assertion criteria provided. Collection method: clinical testing. Allele origin: germline. Not counted in ClinVar's aggregate classification.
Comment: This variant is classified as likely benign based on ACMG/AMP sequence variant interpretation guidelines (Richards et al. 2015 PMID: 25741868, with internal and published modifications).

Dr. Peter K. Rogan Lab, Western University
No classification provided (evidence only). Condition: Clear cell carcinoma of kidney. Review status: no classification provided. Collection method: in vitro. Allele origin: not applicable. Functional consequence: retained intron. Not counted in ClinVar's aggregate classification.

NM_001371623.1(TCOF1):c.3785G>T (p.Gly1262Val)

Gene: TCOF1 (treacle ribosome biogenesis factor 1; plus strand). Cytogenetic location: 5q32.
Variant type: single nucleotide variant.
Coding change: c.3785G>T on transcript NM_001371623.1 (MANE Select); coding-DNA position 3785, G replaced by T.
Protein change: p.Gly1262Val; replaces glycine 1262 with valine.
Molecular consequence: missense variant.
Genome position (GRCh38, 1-based): chr5:150,396,282, G>T. VCF-style: chr5-150396282-G-T. GRCh37 (hg19) VCF-style: chr5-149775845-G-T.
Other names: NC_000005.9:g.149775845G>T; c.3668G>T, p.Gly1223Val (NM_001195141.2); c.3551G>T, p.Gly1184Val (NM_000356.4); c.3782G>T, p.Gly1261Val (NM_001135243.2); c.3671G>T, p.Gly1224Val (NM_001135244.2); c.3554G>T, p.Gly1185Val (NM_001135245.2); short protein forms G1184V, G1185V, G1223V, G1224V, G1261V, G1262V.
Identifiers: ClinVar variation 1698088 (VCV001698088.7), dbSNP rs375337164, ClinGen allele CA3511614.
Genomic context (GRCh38, chr5:150,396,282, plus strand): 5'-TACCATAAGATCTGTCCCCCAACTCTCCCAGATCTGTGACCCCACATTCTCTCTCCATAG[G>T]TGGAAAAGAGGCTGCTTCAGGCACCACACCTCAGAAGTCCCGGAAGCCCAAGAAAGGGGC-3'
Protein context (NP_001358552.1, residues 1252-1272): QAAGMLSPKT[Gly1262Val]GKEAASGTTP